The following is an entry in ClinVar:

NM_003361.4(UMOD):c.1546G>T (p.Asp516Tyr)

Gene: UMOD (uromodulin; minus strand). Cytogenetic location: 16p12.3.
Variant type: single nucleotide variant.
Coding change: c.1546G>T on transcript NM_003361.4 (MANE Select); coding-DNA position 1546, G replaced by T.
Protein change: p.Asp516Tyr; replaces aspartic acid 516 with tyrosine.
Molecular consequence: missense variant. On other transcripts: non-coding transcript variant (1).
Genome position (GRCh38, 1-based): chr16:20,341,122, C>A on the plus strand (G>T on the coding strand, the complement: UMOD is on the minus strand). VCF-style: chr16-20341122-C-A. GRCh37 (hg19) VCF-style: chr16-20352444-C-A.
Other names: c.1645G>T, p.Asp549Tyr (NM_001278614.2); c.1546G>T, p.Asp516Tyr (NM_001378232.1, NM_001378233.1, NM_001008389.3); c.1687G>T, p.Asp563Tyr (NM_001378234.1, NM_001378235.1); short protein forms D563Y, D516Y, D549Y.
Identifiers: ClinVar variation 949668 (VCV000949668.9), dbSNP rs765306732, ClinGen allele CA7939112.

ClinVar aggregate classification (germline): Uncertain significance (1 of 4 stars; one submission).

Allele frequency attached by ClinVar (database versions not stated): gnomAD exomes below 0.00001; TOPMed below 0.00001; ExAC 0.00001.
gnomAD v4.1: 1 of 1,614,110 alleles (0.000062%); highest among the groups gnomAD compares: African/African-American, 0.0013%; no homozygotes.

Submission:

Labcorp Genetics (formerly Invitae), Labcorp
Classification: Uncertain significance. Last evaluated: 2019-06-26. Review status: criteria provided, single submitter. Criteria: Invitae Variant Classification Sherloc (09022015). Collection method: clinical testing. Allele origin: germline.
Comment: This sequence change replaces aspartic acid with tyrosine at codon 516 of the UMOD protein (p.Asp516Tyr). The aspartic acid residue is moderately conserved and there is a large physicochemical difference between aspartic acid and tyrosine. This variant is present in population databases (rs765306732, ExAC 0.01%). This variant has not been reported in the literature in individuals with UMOD-related conditions. Algorithms developed to predict the effect of missense changes on protein structure and function are either unavailable or do not agree on the potential impact of this missense change (SIFT: "Tolerated"; PolyPhen-2: "Probably Damaging"; Align-GVGD: "Class C0"). Algorithms developed to predict the effect of sequence changes on RNA splicing suggest that this variant may create or strengthen a splice site, but this prediction has not been confirmed by published transcriptional studies. In summary, the available evidence is currently insufficient to determine the role of this variant in disease. Therefore, it has been classified as a Variant of Uncertain Significance.